The following is an entry in ClinVar:

NM_001035.3(RYR2):c.6332T>C (p.Val2111Ala)

Gene: RYR2 (ryanodine receptor 2; plus strand). Cytogenetic location: 1q43.
Variant type: single nucleotide variant.
Coding change: c.6332T>C on transcript NM_001035.3 (MANE Select); coding-DNA position 6332, T replaced by C.
Protein change: p.Val2111Ala; replaces valine 2111 with alanine.
Molecular consequence: missense variant.
Genome position (GRCh38, 1-based): chr1:237,627,972, T>C. VCF-style: chr1-237627972-T-C. GRCh37 (hg19) VCF-style: chr1-237791272-T-C.
Other names: c.6332T>C, p.Val2111Ala (LRG_402t1); short protein forms V2111A.
Identifiers: ClinVar variation 628884 (VCV000628884.4), dbSNP rs548415985, ClinGen allele CA087092.

ClinVar aggregate classification (germline): Uncertain significance (1 of 4 stars; one submission).

Conditions:
Cardiomyopathy (CMYO). Also called: Cardiomyopathies. Identifiers: Orphanet 167848, MedGen C0878544, MONDO:0004994, HP:0001638. Inheritance: Various modes of inheritance.

Allele frequency attached by ClinVar (database versions not stated): gnomAD exomes below 0.00001; ExAC 0.00001; gnomAD 0.00001; 1000 Genomes Project 30x 0.00016; 1000 Genomes Project 0.00020.
gnomAD v4.1: 2 of 1,613,980 alleles (0.00012%); highest among the groups gnomAD compares: East Asian, 0.0045%; no homozygotes.

Submission:

Color Diagnostics, LLC DBA Color Health
Classification: Uncertain significance for Cardiomyopathy. Last evaluated: 2019-08-08. Review status: criteria provided, single submitter. Criteria: ACMG Guidelines, 2015. Collection method: clinical testing. Allele origin: germline.
Comment: Variant of Uncertain Significance due to insufficient evidence: This missense variant is located in the cytoplasmic domain of the RYR2 protein. Computational prediction tools and conservation analyses are inconclusive regarding the impact of this variant on the protein function. Computational splicing tools suggest that this variant may not impact the RNA splicing. To our knowledge, functional assays have not been performed for this variant nor has this variant been reported in individuals affected with cardiovascular disorders in the literature. This variant is rare in the general population and has been identified in 1/246090 chromosomes by the Genome Aggregation Database (gnomAD). Available evidence is insufficient to determine the pathogenicity of this variant conclusively.